The following is an entry in ClinVar:

NM_198253.3(TERT):c.1924G>T (p.Ala642Ser)

Gene: TERT (telomerase reverse transcriptase; minus strand). Cytogenetic location: 5p15.33.
Variant type: single nucleotide variant.
Coding change: c.1924G>T on transcript NM_198253.3 (MANE Select); coding-DNA position 1924, G replaced by T.
Protein change: p.Ala642Ser; replaces alanine 642 with serine.
Molecular consequence: missense variant. On other transcripts: non-coding transcript variant (2).
Genome position (GRCh38, 1-based): chr5:1,280,184, C>A on the plus strand (G>T on the coding strand, the complement: TERT is on the minus strand). VCF-style: chr5-1280184-C-A. GRCh37 (hg19) VCF-style: chr5-1280299-C-A.
Other names: c.1924G>T, p.Ala642Ser (NM_001193376.3); short protein forms A642S.
Identifiers: ClinVar variation 4182800 (VCV004182800.1).

ClinVar aggregate classification (germline): Uncertain significance (1 of 4 stars; one submission).

Conditions:
Dyskeratosis congenita. Identifiers: Orphanet 1775, MedGen C0265965, MONDO:0015780.

gnomAD v4.1: 1 of 1,614,100 alleles (0.000062%); highest among the groups gnomAD compares: South Asian, 0.0011%; no homozygotes.

Submission:

Ambry Genetics
Classification: Uncertain significance for Dyskeratosis congenita. Last evaluated: 2025-08-03. Review status: criteria provided, single submitter. Criteria: Ambry Variant Classification Scheme 2023. Collection method: clinical testing. Allele origin: germline.
Comment: The p.A642S variant (also known as c.1924G>T), located in coding exon 4 of the TERT gene, results from a G to T substitution at nucleotide position 1924. The alanine at codon 642 is replaced by serine, an amino acid with similar properties. This amino acid position is conserved. In addition, this alteration is predicted to be tolerated by in silico analysis. Based on the available evidence, the clinical significance of this variant remains unclear.